The following is an entry in ClinVar:

NM_182943.3(PLOD2):c.2038C>T (p.Arg680Ter)

Gene: PLOD2 (procollagen-lysine,2-oxoglutarate 5-dioxygenase 2; minus strand). Cytogenetic location: 3q24.
Variant type: single nucleotide variant.
Coding change: c.2038C>T on transcript NM_182943.3 (MANE Select); coding-DNA position 2038, C replaced by T.
Protein change: p.Arg680Ter; replaces arginine 680 with a stop codon.
Molecular consequence: nonsense.
Genome position (GRCh38, 1-based): chr3:146,071,125, G>A on the plus strand (C>T on the coding strand, the complement: PLOD2 is on the minus strand). VCF-style: chr3-146071125-G-A. GRCh37 (hg19) VCF-style: chr3-145788912-G-A.
Other names: c.1975C>T, p.Arg659Ter (NM_000935.3); short protein forms R659*, R680*.
Identifiers: ClinVar variation 374012 (VCV000374012.17), dbSNP rs780770356, ClinGen allele CA16043397.

ClinVar aggregate classification (germline): Pathogenic/Likely pathogenic. Review status: criteria provided, multiple submitters, no conflicts (2 of 4 stars). 5 submissions from 5 submitters: Pathogenic (2); Likely pathogenic (3). Last evaluated 2025-02-10.

Conditions:
Cleft soft palate. Also called: Cleft of soft palate. Identifiers: Orphanet 99772, MedGen C0432098, MONDO:0007338, OMIM 119570, HP:0000185.
Clubfoot. Also called: Clubfeet; Talipes equinovarus; congenital talipes equinovarus; CLUBFOOT, CONGENITAL, WITH OR WITHOUT DEFICIENCY OF LONG BONES AND/OR MIRROR-IMAGE POLYDACTYLY; Club foot. Identifiers: Orphanet 199315, MedGen C0009081, MONDO:0007342, OMIM 119800, HP:0001762.
Camptodactyly. Identifiers: MedGen C0685409, HP:0012385.
Aplasia/hypoplasia of the femur. Identifiers: MedGen C1851310, HP:0005613.
Bowing of the long bones. Identifiers: MedGen C1855340, HP:0006487.
Femoral bowing. Identifiers: MedGen C1859461, HP:0002980.
Radial bowing. Identifiers: MedGen C1859399, HP:0002986.
Ulnar bowing. Identifiers: MedGen C1865847, HP:0003031.
Short femur. Also called: Congenital short femur. Identifiers: Orphanet 1987, MedGen C0345375, MONDO:0016032, HP:0003097.
Bruck syndrome 2 (BRKS2). Also called: OSTEOGENESIS IMPERFECTA WITH CONGENITAL JOINT CONTRACTURES. Identifiers: Orphanet 2771, MedGen C1836602, MONDO:0012217, OMIM 609220.

Allele frequency attached by ClinVar (database versions not stated): TOPMed 0.00001; gnomAD exomes 0.00002.
gnomAD v4.1: 21 of 1,610,798 alleles (0.0013%); highest among the groups gnomAD compares: Non-Finnish European, 0.0017%; no homozygotes.

Submissions (5):

Labcorp Genetics (formerly Invitae), Labcorp
Classification: Pathogenic. Last evaluated: 2025-02-10. Review status: criteria provided, single submitter. Criteria: Invitae Variant Classification Sherloc (09022015). Collection method: clinical testing. Allele origin: germline.
Comment: This sequence change creates a premature translational stop signal (p.Arg680*) in the PLOD2 gene. It is expected to result in an absent or disrupted protein product. Loss-of-function variants in PLOD2 are known to be pathogenic (PMID: 22689593, 25238597, 29178448). This variant is not present in population databases (gnomAD no frequency). This premature translational stop signal has been observed in individual(s) with Bruck syndrome (PMID: 29177700). ClinVar contains an entry for this variant (Variation ID: 374012). For these reasons, this variant has been classified as Pathogenic.

Fulgent Genetics
Classification: Likely pathogenic for Bruck syndrome 2. Last evaluated: 2024-06-14. Review status: criteria provided, single submitter. Criteria: ACMG Guidelines, 2015. Collection method: clinical testing. Allele origin: germline.

GeneDx
Classification: Pathogenic. Last evaluated: 2021-05-12. Review status: criteria provided, single submitter. Criteria: GeneDx Variant Classification Process June 2021. Collection method: clinical testing. Allele origin: germline. Affected: yes.
Comment: Nonsense variant predicted to result in protein truncation or nonsense mediated decay in a gene for which loss-of-function is a known mechanism of disease; Not observed in large population cohorts (Lek et al., 2016); This variant is associated with the following publications: (PMID: 29177700, 33664768, 31472299, 31589614)

Revvity Omics, Revvity
Classification: Likely pathogenic for Bruck syndrome 2. Last evaluated: 2019-10-08. Review status: criteria provided, single submitter. Criteria: ACMG Guidelines, 2015. Collection method: clinical testing. Allele origin: germline.

Centre for Mendelian Genomics, University Medical Centre Ljubljana
Classification: Likely pathogenic for Aplasia/hypoplasia of the femur; Bowing of the long bones; Camptodactyly; Cleft soft palate; Femoral bowing; Radial bowing; Short femur; Clubfoot; Ulnar bowing. Last evaluated: 2015-11-16. Review status: criteria provided, single submitter. Criteria: ACMG Guidelines, 2015. Collection method: clinical testing. Allele origin: unknown. Affected: yes.

Literature cited by the submitters: PubMed 22689593 (cited by Labcorp Genetics (formerly Invitae), Labcorp); PubMed 25238597 (cited by Labcorp Genetics (formerly Invitae), Labcorp); PubMed 29178448 (cited by Labcorp Genetics (formerly Invitae), Labcorp); PubMed 29177700 (cited by Labcorp Genetics (formerly Invitae), Labcorp).